The following is an entry in ClinVar:

ClinVar aggregate classification (germline): Uncertain significance (1 of 4 stars; one submission).

gnomAD v4.1: 2 of 1,612,044 alleles (0.00012%); highest among the groups gnomAD compares: Non-Finnish European, 0.00017%; no homozygotes.

Submission:

Labcorp Genetics (formerly Invitae), Labcorp
Classification: Uncertain significance. Last evaluated: 2024-12-12. Review status: criteria provided, single submitter. Criteria: Invitae Variant Classification Sherloc (09022015). Collection method: clinical testing. Allele origin: germline.
Comment: This sequence change replaces leucine, which is neutral and non-polar, with isoleucine, which is neutral and non-polar, at codon 524 of the IL23R protein (p.Leu524Ile). This variant is not present in population databases (gnomAD no frequency). This variant has not been reported in the literature in individuals affected with IL23R-related conditions. An algorithm developed to predict the effect of missense changes on protein structure and function outputs the following: PolyPhen-2: "Benign". The isoleucine amino acid residue is found in multiple mammalian species, which suggests that this missense change does not adversely affect protein function. In summary, the available evidence is currently insufficient to determine the role of this variant in disease. Therefore, it has been classified as a Variant of Uncertain Significance.

NM_144701.3(IL23R):c.1570T>A (p.Leu524Ile)

Gene: IL23R (interleukin 23 receptor; plus strand). Cytogenetic location: 1p31.3.
Variant type: single nucleotide variant.
Coding change: c.1570T>A on transcript NM_144701.3 (MANE Select); coding-DNA position 1570, T replaced by A.
Protein change: p.Leu524Ile; replaces leucine 524 with isoleucine.
Molecular consequence: missense variant.
Genome position (GRCh38, 1-based): chr1:67,258,808, T>A. VCF-style: chr1-67258808-T-A. GRCh37 (hg19) VCF-style: chr1-67724491-T-A.
Other names: short protein forms L524I.
Identifiers: ClinVar variation 3726744 (VCV003726744.2).